The following is an entry in ClinVar:

ClinVar aggregate classification (germline): Uncertain significance (1 of 4 stars; one submission).

Conditions:
Aicardi-Goutieres syndrome 7 (AGS7). Identifiers: Orphanet 51, MedGen C3888244, MONDO:0014367, OMIM 615846.
Singleton-Merten syndrome 1 (SGMRT1). Also called: Widened medullary cavities of bone, aortic calcification, abnormal dentition, and muscular weakness; Syndrome of widened medullary cavities of the metacarpals and phalanges, aortic calcification and abnormal dentition. Identifiers: Orphanet 85191, MedGen C4225427, MONDO:0024535, OMIM 182250.

gnomAD v4.1: 7 of 1,610,564 alleles (0.00043%); highest among the groups gnomAD compares: African/African-American, 0.008%; no homozygotes.

Submission:

Labcorp Genetics (formerly Invitae), Labcorp
Classification: Uncertain significance for Aicardi-Goutieres syndrome 7; Singleton-Merten syndrome 1. Last evaluated: 2024-02-21. Review status: criteria provided, single submitter. Criteria: Invitae Variant Classification Sherloc (09022015). Collection method: clinical testing. Allele origin: germline.
Comment: This sequence change replaces threonine, which is neutral and polar, with isoleucine, which is neutral and non-polar, at codon 628 of the IFIH1 protein (p.Thr628Ile). This variant is present in population databases (rs545610093, gnomAD 0.007%). This variant has not been reported in the literature in individuals affected with IFIH1-related conditions. Advanced modeling of protein sequence and biophysical properties (such as structural, functional, and spatial information, amino acid conservation, physicochemical variation, residue mobility, and thermodynamic stability) has been performed at Invitae for this missense variant, however the output from this modeling did not meet the statistical confidence thresholds required to predict the impact of this variant on IFIH1 protein function. In summary, the available evidence is currently insufficient to determine the role of this variant in disease. Therefore, it has been classified as a Variant of Uncertain Significance.

NM_022168.4(IFIH1):c.1883C>T (p.Thr628Ile)

Gene: IFIH1 (interferon induced with helicase C domain 1; minus strand). Cytogenetic location: 2q24.2.
Variant type: single nucleotide variant.
Coding change: c.1883C>T on transcript NM_022168.4 (MANE Select); coding-DNA position 1883, C replaced by T.
Protein change: p.Thr628Ile; replaces threonine 628 with isoleucine.
Molecular consequence: missense variant.
Genome position (GRCh38, 1-based): chr2:162,277,576, G>A on the plus strand (C>T on the coding strand, the complement: IFIH1 is on the minus strand). VCF-style: chr2-162277576-G-A. GRCh37 (hg19) VCF-style: chr2-163134086-G-A.
Other names: short protein forms T628I.
Identifiers: ClinVar variation 3752247 (VCV003752247.2).